The following is an entry in ClinVar:

NM_000540.3(RYR1):c.3266T>A (p.Phe1089Tyr)

Gene: RYR1 (ryanodine receptor 1; plus strand). Cytogenetic location: 19q13.2.
Variant type: single nucleotide variant.
Coding change: c.3266T>A on transcript NM_000540.3 (MANE Select); coding-DNA position 3266, T replaced by A.
Protein change: p.Phe1089Tyr; replaces phenylalanine 1089 with tyrosine.
Molecular consequence: missense variant.
Genome position (GRCh38, 1-based): chr19:38,467,697, T>A. VCF-style: chr19-38467697-T-A. GRCh37 (hg19) VCF-style: chr19-38958337-T-A.
Other names: c.3266T>A, p.Phe1089Tyr (NM_001042723.2); short protein forms F1089Y.
Identifiers: ClinVar variation 3070167 (VCV003070167.1), dbSNP rs2514101911, ClinGen allele CA405637150.

ClinVar aggregate classification (germline): Uncertain significance (1 of 4 stars; one submission).

Conditions:
Malignant hyperthermia, susceptibility to, 1 (MHS1). Also called: RYR1-Related Malignant Hyperthermia Susceptibility; Anesthesia related hyperthermia; Malignant hyperpyrexia; Fulminating hyperpyrexia; Pharmacogenic myopathy; Malignant hyperthermia suceptibility 1. Identifiers: Orphanet 423, MedGen C2930980, MONDO:0007783, OMIM 145600.

Submission:

All of Us Research Program, National Institutes of Health
Classification: Uncertain significance for Malignant hyperthermia, susceptibility to, 1. Last evaluated: 2023-04-03. Review status: criteria provided, single submitter. Criteria: ACMG Guidelines, 2015. Collection method: clinical testing. Allele origin: germline. Inheritance: Autosomal dominant inheritance. Observed: 1 variant allele, 1 heterozygote.
Comment: This missense variant replaces phenylalanine with tyrosine at codon 1089 of the RYR1 protein. Computational prediction is inconclusive regarding the impact of this variant on protein structure and function (internally defined REVEL score threshold 0.5 < inconclusive < 0.7, PMID: 27666373). To our knowledge, functional studies have not been reported for this variant. This variant has not been reported in individuals affected with RYR1-related disorders in the literature. This variant has not been identified in the general population by the Genome Aggregation Database (gnomAD). The available evidence is insufficient to determine the role of this variant in disease conclusively. Therefore, this variant is classified as a Variant of Uncertain Significance.

This study involves interpretation of variants in research participants for the purpose of population health screening. Participant phenotype was not available at the time of variant classification. Additional details can be found in publication PMID: 35346344, PMCID: PMC8962531